The following is an entry in ClinVar:

NM_018051.5(DYNC2I1):c.1003G>A (p.Glu335Lys)

Gene: DYNC2I1 (dynein 2 intermediate chain 1; plus strand). Cytogenetic location: 7q36.3.
Variant type: single nucleotide variant.
Coding change: c.1003G>A on transcript NM_018051.5 (MANE Select); coding-DNA position 1003, G replaced by A.
Protein change: p.Glu335Lys; replaces glutamic acid 335 with lysine.
Molecular consequence: missense variant. On other transcripts: 5 prime UTR variant (3).
Genome position (GRCh38, 1-based): chr7:158,891,277, G>A. VCF-style: chr7-158891277-G-A. GRCh37 (hg19) VCF-style: chr7-158683968-G-A.
Other names: c.865G>A, p.Glu289Lys (NM_001350914.2); c.430G>A, p.Glu144Lys (NM_001350915.2); c.-356G>A (NM_001350916.2); c.-364G>A (NM_001350917.2); c.-483G>A (NM_001350918.2); short protein forms E144K, E289K, E335K.
Identifiers: ClinVar variation 2169381 (VCV002169381.4), dbSNP rs886100816, ClinGen allele CA170056420.
Genomic context (GRCh38, chr7:158,891,277, plus strand): 5'-GGAGTCCCACCTGTGTCCTGGCTGATGGGGCTGTTCTCTCTCCATTAGCATGGCCACGAG[G>A]AAGGCTCTTCTGTGTGGTGGAAGCTGGACCAGAGGCCGGGAGGCGAGGAAACCGTGGTAA-3'
Protein context (NP_060521.4, residues 325-345): KDSRRKHGHE[Glu335Lys]GSSVWWKLDQ

ClinVar aggregate classification (germline): Uncertain significance (1 of 4 stars; one submission).

Conditions:
Short-rib thoracic dysplasia 8 with or without polydactyly (SRTD8). Also called: SHORT-RIB THORACIC DYSPLASIA 8 WITH POLYDACTYLY. Identifiers: Orphanet 93271, MedGen C3809691, MONDO:0014214, OMIM 615503.

Allele frequency attached by ClinVar (database versions not stated): gnomAD 0.00001; gnomAD exomes 0.00001; TOPMed 0.00002.
gnomAD v4.1: 9 of 1,613,932 alleles (0.00056%); highest among the groups gnomAD compares: Non-Finnish European, 0.00076%; no homozygotes.

Submission:

Labcorp Genetics (formerly Invitae), Labcorp
Classification: Uncertain significance for Short-rib thoracic dysplasia 8 with or without polydactyly. Last evaluated: 2022-08-16. Review status: criteria provided, single submitter. Criteria: Invitae Variant Classification Sherloc (09022015). Collection method: clinical testing. Allele origin: germline.
Comment: Algorithms developed to predict the effect of missense changes on protein structure and function are either unavailable or do not agree on the potential impact of this missense change (SIFT: "Tolerated"; PolyPhen-2: "Possibly Damaging"; Align-GVGD: "Class C0"). This variant is not present in population databases (gnomAD no frequency). This sequence change replaces glutamic acid, which is acidic and polar, with lysine, which is basic and polar, at codon 335 of the WDR60 protein (p.Glu335Lys). This variant has not been reported in the literature in individuals affected with WDR60-related conditions. In summary, the available evidence is currently insufficient to determine the role of this variant in disease. Therefore, it has been classified as a Variant of Uncertain Significance.